The following is an entry in ClinVar:

NM_000238.4(KCNH2):c.42C>T (p.Phe14=)

Gene: KCNH2 (potassium voltage-gated channel subfamily H member 2; minus strand). Cytogenetic location: 7q36.1.
Variant type: single nucleotide variant.
Coding change: c.42C>T on transcript NM_000238.4 (MANE Select); coding-DNA position 42, C replaced by T.
Protein change: p.Phe14=; no amino-acid change (phenylalanine 14 retained).
Molecular consequence: synonymous variant. On other transcripts: non-coding transcript variant (1).
Genome position (GRCh38, 1-based): chr7:150,977,872, G>A on the plus strand (C>T on the coding strand, the complement: KCNH2 is on the minus strand). VCF-style: chr7-150977872-G-A. GRCh37 (hg19) VCF-style: chr7-150674960-G-A.
Other names: c.42C>T, p.Phe14= (NM_172056.3).
Identifiers: ClinVar variation 1739534 (VCV001739534.35), dbSNP rs1223847080, ClinGen allele CA458648315.

ClinVar aggregate classification (germline): Likely benign. Review status: criteria provided, multiple submitters, no conflicts (2 of 4 stars). 4 submissions from 4 submitters: Likely benign (4). Last evaluated 2023-06-08.

Conditions:
Cardiovascular phenotype. Identifiers: MedGen CN230736.
Long QT syndrome (LQTS). Identifiers: MedGen C0023976, MeSH D008133, MONDO:0002442. Disease mechanism: loss of function. Inheritance: Various modes of inheritance.

Allele frequency attached by ClinVar (database versions not stated): gnomAD exomes below 0.00001.

Submissions (4):

All of Us Research Program, National Institutes of Health
Classification: Likely benign for Long QT syndrome. Last evaluated: 2023-06-08. Review status: criteria provided, single submitter. Criteria: ACMG Guidelines, 2015. Collection method: clinical testing. Allele origin: germline. Inheritance: Autosomal dominant inheritance. Observed: 1 variant allele, 1 heterozygote.
Comment: This study involves interpretation of variants in research participants for the purpose of population health screening. Participant phenotype was not available at the time of variant classification. Additional details can be found in publication PMID: 35346344, PMCID: PMC8962531

Labcorp Genetics (formerly Invitae), Labcorp
Classification: Likely benign for Long QT syndrome. Last evaluated: 2023-02-14. Review status: criteria provided, single submitter. Criteria: Invitae Variant Classification Sherloc (09022015). Collection method: clinical testing. Allele origin: germline.

CeGaT Center for Human Genetics Tuebingen
Classification: Likely benign. Last evaluated: 2022-10-01. Review status: criteria provided, single submitter. Criteria: CeGaT Center For Human Genetics Tuebingen Variant Classification Criteria Version 2. Collection method: clinical testing. Allele origin: germline. Affected: yes. Observed: 1 variant allele.
Comment: KCNH2: BP4, BP7

Ambry Genetics
Classification: Likely benign for Cardiovascular phenotype. Last evaluated: 2019-10-31. Review status: criteria provided, single submitter. Criteria: Ambry Variant Classification Scheme 2023. Collection method: clinical testing. Allele origin: germline.